The following is an entry in ClinVar:

ClinVar aggregate classification (germline): Pathogenic (1 of 4 stars; one submission).

Conditions:
Retinitis pigmentosa 3. Also called: CHOROIDORETINAL DEGENERATION WITH RETINAL REFLEX IN HETEROZYGOUS WOMEN. Identifiers: Orphanet 791, MedGen C1845667, MONDO:0010227, OMIM 300029.

Submission:

Broad Center for Mendelian Genomics, Broad Institute of MIT and Harvard
Classification: Pathogenic for Retinitis pigmentosa 3. Last evaluated: 2023-08-24. Review status: criteria provided, single submitter. Criteria: ACMG/ClinGen CNV Guidelines, 2019. Collection method: research. Allele origin: unknown. Inheritance: X-linked inheritance. Affected: yes.
Comment: These breakpoints have been estimated by exome sequencing only and therefore may not reflect the true breakpoints. Inheritance information is unavailable. The patient phenotype is nonspecific, but is consistent with cases described in the literature and/or published databases with overlapping variants. This intragenic variant is predicted to cause a frameshift, which alters the protein’s amino acid sequence beginning at exon 10 and leads to a premature termination codon. This alteration is then predicted to lead to a truncated or absent protein. Loss of function of PRGR is an established disease mechanism in retinitis pigmentosa. In summary, this variant meets criteria to be classified as pathogenic for X-linked retinitis pigmentosa. The ACMG/ClinGen evidence codes and points used in this curation are as follows: 1: 0 points, 2: 0.90 points, 3: 0 points, 4-5: 0.15 points; Total: 1.05 points; Riggs 2020 (PMID: 31690835).

Literature cited by the submitters: PubMed 34906470.

GRCh38/hg38 Xp11.4(chrX:38297187-38299239)x0

Gene: RPGR (retinitis pigmentosa GTPase regulator; minus strand). Cytogenetic location: Xp11.4.
Variant type: copy number loss.
Change: copy number 0 of chrX:38,297,187-38,299,239 (2.1 kb, GRCh38 coordinates, 1-based), cytogenetic band Xp11.4.
Identifiers: ClinVar variation 2579245 (VCV002579245.1).